The following is an entry in ClinVar:

ClinVar aggregate classification (germline): Uncertain significance (1 of 4 stars; one submission).

Conditions:
Inborn genetic diseases. Identifiers: MedGen C0950123, MeSH D030342.

gnomAD v4.1: 2 of 1,515,224 alleles (0.00013%); highest among the groups gnomAD compares: Admixed American, 0.0041%; no homozygotes.

Submission:

Ambry Genetics
Classification: Uncertain significance for Inborn genetic diseases. Last evaluated: 2024-04-28. Review status: criteria provided, single submitter. Criteria: Ambry Variant Classification Scheme 2023. Collection method: clinical testing. Allele origin: germline.
Comment: The p.D1120N variant (also known as c.3358G>A), located in coding exon 24 of the LTBP3 gene, results from a G to A substitution at nucleotide position 3358. The aspartic acid at codon 1120 is replaced by asparagine, an amino acid with highly similar properties. This amino acid position is conserved. In addition, this alteration is predicted to be tolerated by in silico analysis. Based on the available evidence, the clinical significance of this variant remains unclear.

NM_001130144.3(LTBP3):c.3358G>A (p.Asp1120Asn)

Genes: LTBP3 (latent transforming growth factor beta binding protein 3; minus strand), LOC130006027 (ATAC-STARR-seq lymphoblastoid silent region 3530; plus strand). Cytogenetic location: 11q13.1.
Variant type: single nucleotide variant.
Coding change: c.3358G>A on transcript NM_001130144.3 (MANE Select); coding-DNA position 3358, G replaced by A.
Protein change: p.Asp1120Asn; replaces aspartic acid 1120 with asparagine.
Molecular consequence: missense variant. On other transcripts: intron variant (2).
Genome position (GRCh38, 1-based): chr11:65,540,040, C>T on the plus strand (G>A on the coding strand, the complement: LTBP3 is on the minus strand). VCF-style: chr11-65540040-C-T. GRCh37 (hg19) VCF-style: chr11-65307511-C-T.
Other names: c.2894-159G>A (NM_001164266.1); c.3245-159G>A (NM_021070.4); short protein forms D1120N.
Identifiers: ClinVar variation 3292245 (VCV003292245.1).